The following is an entry in ClinVar:

ClinVar aggregate classification (germline): Uncertain significance (1 of 4 stars; one submission).

Allele frequency attached by ClinVar (database versions not stated): TOPMed 0.00007; ESP Exome Variant Server 0.00008; 1000 Genomes Project 30x 0.00016.
gnomAD v4.1: 39 of 1,614,216 alleles (0.0024%); highest among the groups gnomAD compares: Middle Eastern, 0.033%; no homozygotes.

Submission:

Ambry Genetics
Classification: Uncertain significance. Last evaluated: 2024-10-11. Review status: criteria provided, single submitter. Criteria: Ambry Variant Classification Scheme 2023. Collection method: clinical testing. Allele origin: germline.
Comment: The p.R1935C variant (also known as c.5803C>T), located in coding exon 8 of the ALPK2 gene, results from a C to T substitution at nucleotide position 5803. The arginine at codon 1935 is replaced by cysteine, an amino acid with highly dissimilar properties. This amino acid position is conserved. In addition, the in silico prediction for this alteration is inconclusive. Since supporting evidence is limited at this time, the clinical significance of this alteration remains unclear.

NM_052947.4(ALPK2):c.5803C>T (p.Arg1935Cys)

Gene: ALPK2 (alpha kinase 2; minus strand). Cytogenetic location: 18q21.31.
Variant type: single nucleotide variant.
Coding change: c.5803C>T on transcript NM_052947.4 (MANE Select); coding-DNA position 5803, C replaced by T.
Protein change: p.Arg1935Cys; replaces arginine 1935 with cysteine.
Molecular consequence: missense variant.
Genome position (GRCh38, 1-based): chr18:58,517,045, G>A on the plus strand (C>T on the coding strand, the complement: ALPK2 is on the minus strand). VCF-style: chr18-58517045-G-A. GRCh37 (hg19) VCF-style: chr18-56184277-G-A.
Other names: short protein forms R1935C.
Identifiers: ClinVar variation 1749794 (VCV001749794.3), dbSNP rs3809984, ClinGen allele CA8976352.